The following is an entry in ClinVar:

NM_001999.4(FBN2):c.3040C>T (p.His1014Tyr)

Genes: FBN2 (fibrillin 2; minus strand), LOC126807501 (BRD4-independent group 4 enhancer GRCh37_chr5:127680731-127681930; plus strand). Cytogenetic location: 5q23.3.
Variant type: single nucleotide variant.
Coding change: c.3040C>T on transcript NM_001999.4 (MANE Select); coding-DNA position 3040, C replaced by T.
Protein change: p.His1014Tyr; replaces histidine 1014 with tyrosine.
Molecular consequence: missense variant.
Genome position (GRCh38, 1-based): chr5:128,345,534, G>A on the plus strand (C>T on the coding strand, the complement: FBN2 is on the minus strand). VCF-style: chr5-128345534-G-A. GRCh37 (hg19) VCF-style: chr5-127681226-G-A.
Other names: short protein forms H1014Y.
Identifiers: ClinVar variation 4691257 (VCV004691257.3).

ClinVar aggregate classification (germline): Conflicting classifications of pathogenicity. Review status: criteria provided, conflicting classifications (1 of 4 stars). 2 submissions from 2 submitters: Uncertain significance (1); Likely benign (1). Last evaluated 2025-12-23.

Conditions:
Congenital contractural arachnodactyly (CCA). Also called: BEALS SYNDROME; Beals-Hecht syndrome; Arthrogryposis, distal, type 9. Identifiers: Orphanet 115, MedGen C0220668, MONDO:0007363, OMIM 121050.
Macular degeneration, early-onset (EOMD). Identifiers: MedGen C4015286, MONDO:0014501, OMIM 616118.

gnomAD v4.1: 11 of 1,614,146 alleles (0.00068%); highest among the groups gnomAD compares: East Asian, 0.022%; no homozygotes.

Submissions (2):

Labcorp Genetics (formerly Invitae), Labcorp
Classification: Likely benign for Congenital contractural arachnodactyly. Last evaluated: 2025-12-23. Review status: criteria provided, single submitter. Criteria: Invitae Variant Classification Sherloc (09022015). Collection method: clinical testing. Allele origin: germline.

Juno Genomics, Hangzhou Juno Genomics, Inc
Classification: Uncertain significance for Congenital contractural arachnodactyly; Macular degeneration, early-onset. Review status: criteria provided, single submitter. Criteria: ACMG Guidelines, 2015. Collection method: clinical testing. Allele origin: germline.
Comment: Absent from controls (or at extremely low frequency if recessive) in Genome Aggregation Database.;Missense variant in a gene that has a low rate of benign missense variation.